The following is an entry in ClinVar:

NM_002354.3(EPCAM):c.688A>C (p.Lys230Gln)

Gene: EPCAM (epithelial cell adhesion molecule; plus strand). Cytogenetic location: 2p21.
Variant type: single nucleotide variant.
Coding change: c.688A>C on transcript NM_002354.3 (MANE Select); coding-DNA position 688, A replaced by C.
Protein change: p.Lys230Gln; replaces lysine 230 with glutamine.
Molecular consequence: missense variant.
Genome position (GRCh38, 1-based): chr2:47,379,799, A>C. VCF-style: chr2-47379799-A-C. GRCh37 (hg19) VCF-style: chr2-47606938-A-C.
Other names: short protein forms K230Q.
Identifiers: ClinVar variation 4249669 (VCV004249669.1).

ClinVar aggregate classification (germline): Uncertain significance (1 of 4 stars; one submission).

Conditions:
Hereditary cancer-predisposing syndrome. Also called: Hereditary Cancer Syndrome; Hereditary neoplastic syndrome; Neoplastic Syndromes, Hereditary; Tumor predisposition. Identifiers: Orphanet 140162, MedGen C0027672, MeSH D009386, MONDO:0015356.

gnomAD v4.1: 3 of 1,613,678 alleles (0.00019%); highest among the groups gnomAD compares: African/African-American, 0.0013%; no homozygotes.

Submission:

Ambry Genetics
Classification: Uncertain significance for Hereditary cancer-predisposing syndrome. Last evaluated: 2025-08-03. Review status: criteria provided, single submitter. Criteria: Ambry Variant Classification Scheme 2023. Collection method: clinical testing. Allele origin: germline.
Comment: The p.K230Q variant (also known as c.688A>C), located in coding exon 7 of the EPCAM gene, results from an A to C substitution at nucleotide position 688. The lysine at codon 230 is replaced by glutamine, an amino acid with similar properties. This amino acid position is conserved. In addition, this alteration is predicted to be tolerated by in silico analysis. Based on the available evidence, the clinical significance of this variant remains unclear.